The following is an entry in ClinVar:

NM_004706.4(ARHGEF1):c.2242C>T (p.Arg748Trp)

Gene: ARHGEF1 (Rho guanine nucleotide exchange factor 1; plus strand). Cytogenetic location: 19q13.2.
Variant type: single nucleotide variant.
Coding change: c.2242C>T on transcript NM_004706.4 (MANE Select); coding-DNA position 2242, C replaced by T.
Protein change: p.Arg748Trp; replaces arginine 748 with tryptophan.
Molecular consequence: missense variant. On other transcripts: non-coding transcript variant (2).
Genome position (GRCh38, 1-based): chr19:41,905,029, C>T. VCF-style: chr19-41905029-C-T. GRCh37 (hg19) VCF-style: chr19-42409181-C-T.
Other names: c.2410C>T, p.Arg804Trp (NM_001396000.1); c.2143C>T, p.Arg715Trp (NM_001396002.1, NM_001396004.1, NM_198977.2); c.2242C>T, p.Arg748Trp (NM_001396003.1, NM_001396006.1); c.2287C>T, p.Arg763Trp (NM_199002.2); short protein forms R715W, R748W, R763W, R804W.
Identifiers: ClinVar variation 2649931 (VCV002649931.26), dbSNP rs2513914336, ClinGen allele CA406065381.
Genomic context (GRCh38, chr19:41,905,029, plus strand): 5'-CTTTTTACCTGGGACCAGGAGGCCCAGATATACGAGCTGGTGGCACAGACTGTGTCGGAG[C>T]GGAAAAAGTGAGGGGGGGTCTGAGTTCTGAGTGTGGGTGGAGGACGCCCAGGTTTCTGGG-3'
Protein context (NP_004697.2, residues 738-758): YELVAQTVSE[Arg748Trp]KNWCALITET

ClinVar aggregate classification (germline): Uncertain significance. Review status: criteria provided, multiple submitters, no conflicts (2 of 4 stars). 2 submissions from 2 submitters: Uncertain significance (2). Last evaluated 2026-01-18.

gnomAD v4.1: 1 of 1,614,060 alleles (0.000062%); highest among the groups gnomAD compares: Non-Finnish European, 0.000085%; no homozygotes.

Submissions (2):

Labcorp Genetics (formerly Invitae), Labcorp
Classification: Uncertain significance. Last evaluated: 2026-01-18. Review status: criteria provided, single submitter. Criteria: Invitae Variant Classification Sherloc (09022015). Collection method: clinical testing. Allele origin: germline.
Comment: This sequence change replaces arginine, which is basic and polar, with tryptophan, which is neutral and slightly polar, at codon 763 of the ARHGEF1 protein (p.Arg763Trp). This variant is not present in population databases (gnomAD no frequency). This variant has not been reported in the literature in individuals affected with ARHGEF1-related conditions. ClinVar contains an entry for this variant (Variation ID: 2649931). An algorithm developed to predict the effect of missense changes on protein structure and function (PolyPhen-2) suggests that this variant is likely to be disruptive. In summary, the available evidence is currently insufficient to determine the role of this variant in disease. Therefore, it has been classified as a Variant of Uncertain Significance.

CeGaT Center for Human Genetics Tuebingen
Classification: Uncertain significance. Last evaluated: 2022-06-01. Review status: criteria provided, single submitter. Criteria: CeGaT Center For Human Genetics Tuebingen Variant Classification Criteria Version 2. Collection method: clinical testing. Allele origin: germline. Affected: yes. Observed: 1 variant allele.
Comment: ARHGEF1: PM2, PP2